The following is an entry in ClinVar:

NM_004304.5(ALK):c.2323G>T (p.Val775Phe)

Gene: ALK (ALK receptor tyrosine kinase; minus strand). Cytogenetic location: 2p23.2.
Variant type: single nucleotide variant.
Coding change: c.2323G>T on transcript NM_004304.5 (MANE Select); coding-DNA position 2323, G replaced by T.
Protein change: p.Val775Phe; replaces valine 775 with phenylalanine.
Molecular consequence: missense variant.
Genome position (GRCh38, 1-based): chr2:29,239,712, C>A on the plus strand (G>T on the coding strand, the complement: ALK is on the minus strand). VCF-style: chr2-29239712-C-A. GRCh37 (hg19) VCF-style: chr2-29462578-C-A.
Other names: c.2323G>T (NM_004304.4); short protein forms V775F.
Identifiers: ClinVar variation 1002096 (VCV001002096.10), dbSNP rs1664472929, ClinGen allele CA346474302.
Genomic context (GRCh38, chr2:29,239,712, plus strand): 5'-ACGAGAAACCCCTGCTCTGGGCACTTACACTGGGGCAGGCGTCCTCTCCCTGCTGCCCAA[C>A]CAGGATGTACAGCATGTCATCCTTCTCCAGGTTGAAGATGCCCAGCACAGACACGCCGTG-3'
Protein context (NP_004295.2, residues 765-785): LEKDDMLYIL[Val775Phe]GQQGEDACPS

ClinVar aggregate classification (germline): Uncertain significance. Review status: criteria provided, multiple submitters, no conflicts (2 of 4 stars). 2 submissions from 2 submitters: Uncertain significance (2). Last evaluated 2024-08-19.

Conditions:
Hereditary cancer-predisposing syndrome. Also called: Hereditary neoplastic syndrome; Neoplastic Syndromes, Hereditary; Tumor predisposition; Hereditary Cancer Syndrome. Identifiers: Orphanet 140162, MedGen C0027672, MeSH D009386, MONDO:0015356.
Neuroblastoma, susceptibility to, 3. Also called: ALK-Related Neuroblastic Tumor Susceptibility. Identifiers: Orphanet 635, MedGen C2751681, MONDO:0013083, OMIM 613014.

Submissions (2):

Labcorp Genetics (formerly Invitae), Labcorp
Classification: Uncertain significance for Neuroblastoma, susceptibility to, 3. Last evaluated: 2024-08-19. Review status: criteria provided, single submitter. Criteria: Invitae Variant Classification Sherloc (09022015). Collection method: clinical testing. Allele origin: germline.
Comment: This sequence change replaces valine, which is neutral and non-polar, with phenylalanine, which is neutral and non-polar, at codon 775 of the ALK protein (p.Val775Phe). This variant is not present in population databases (gnomAD no frequency). This variant has not been reported in the literature in individuals affected with ALK-related conditions. ClinVar contains an entry for this variant (Variation ID: 1002096). An algorithm developed to predict the effect of missense changes on protein structure and function (PolyPhen-2) suggests that this variant is likely to be disruptive. In summary, the available evidence is currently insufficient to determine the role of this variant in disease. Therefore, it has been classified as a Variant of Uncertain Significance.

Ambry Genetics
Classification: Uncertain significance for Hereditary cancer-predisposing syndrome. Last evaluated: 2022-11-23. Review status: criteria provided, single submitter. Criteria: Ambry Variant Classification Scheme 2023. Collection method: clinical testing. Allele origin: germline.
Comment: The p.V775F variant (also known as c.2323G>T), located in coding exon 13 of the ALK gene, results from a G to T substitution at nucleotide position 2323. The valine at codon 775 is replaced by phenylalanine, an amino acid with highly similar properties. This amino acid position is conserved. In addition, the in silico prediction for this alteration is inconclusive. Since supporting evidence is limited at this time, the clinical significance of this alteration remains unclear.